The following is an entry in ClinVar:

NM_004655.4(AXIN2):c.917C>T (p.Ala306Val)

Gene: AXIN2 (axin 2; minus strand). Cytogenetic location: 17q24.1.
Variant type: single nucleotide variant.
Coding change: c.917C>T on transcript NM_004655.4 (MANE Select); coding-DNA position 917, C replaced by T.
Protein change: p.Ala306Val; replaces alanine 306 with valine.
Molecular consequence: missense variant.
Genome position (GRCh38, 1-based): chr17:65,549,559, G>A on the plus strand (C>T on the coding strand, the complement: AXIN2 is on the minus strand). VCF-style: chr17-65549559-G-A. GRCh37 (hg19) VCF-style: chr17-63545677-G-A.
Other names: c.917C>T, p.Ala306Val (NM_001363813.1); c.917C>T (LRG_296t1); short protein forms A306V.
Identifiers: ClinVar variation 240040 (VCV000240040.21), dbSNP rs151247101, ClinGen allele CA8718945.

ClinVar aggregate classification (germline): Uncertain significance. Review status: criteria provided, multiple submitters, no conflicts (2 of 4 stars). 6 submissions from 6 submitters: Uncertain significance (6). Last evaluated 2026-04-15.

Conditions:
Colorectal cancer. Also called: Colorectal cancer, somatic; Malignant Colorectal Neoplasm. Identifiers: MedGen C0346629, MONDO:0005575, OMIM 114500.
Hereditary cancer-predisposing syndrome. Also called: Tumor predisposition; Neoplastic Syndromes, Hereditary; Hereditary Cancer Syndrome; Hereditary neoplastic syndrome. Identifiers: Orphanet 140162, MedGen C0027672, MeSH D009386, MONDO:0015356.
Oligodontia-cancer predisposition syndrome. Also called: TOOTH AGENESIS-COLORECTAL CANCER SYNDROME. Identifiers: Orphanet 300576, MedGen C1837750, MONDO:0012075, OMIM 608615. Disease mechanism: loss of function.

Allele frequency attached by ClinVar (database versions not stated): gnomAD 0.00008 and 0.00007; TOPMed 0.00007; ESP Exome Variant Server 0.00008.

Submissions (6):

Ambry Genetics
Classification: Uncertain significance for Hereditary cancer-predisposing syndrome. Last evaluated: 2026-04-15. Review status: criteria provided, single submitter. Criteria: Ambry Variant Classification Scheme 2023. Collection method: clinical testing. Allele origin: germline.
Comment: The p.A306V variant (also known as c.917C>T), located in coding exon 2 of the AXIN2 gene, results from a C to T substitution at nucleotide position 917. The alanine at codon 306 is replaced by valine, an amino acid with similar properties. This variant was reported in individual(s) with features consistent with oligodontia-cancer predisposition syndrome; however, was also identified in multiple individuals with no reported features of this condition (Ambry internal data). This amino acid position is highly conserved in available vertebrate species. In addition, this alteration is predicted to be deleterious by in silico analysis. Based on the available evidence, the clinical significance of this variant remains unclear.

Labcorp Genetics (formerly Invitae), Labcorp
Classification: Uncertain significance for Oligodontia-cancer predisposition syndrome. Last evaluated: 2026-01-20. Review status: criteria provided, single submitter. Criteria: Invitae Variant Classification Sherloc (09022015). Collection method: clinical testing. Allele origin: germline.
Comment: This sequence change replaces alanine, which is neutral and non-polar, with valine, which is neutral and non-polar, at codon 306 of the AXIN2 protein (p.Ala306Val). This variant is present in population databases (rs151247101, gnomAD 0.01%). This variant has not been reported in the literature in individuals affected with AXIN2-related conditions. ClinVar contains an entry for this variant (Variation ID: 240040). Invitae Evidence Modeling of protein sequence and biophysical properties (such as structural, functional, and spatial information, amino acid conservation, physicochemical variation, residue mobility, and thermodynamic stability) indicates that this missense variant is not expected to disrupt AXIN2 protein function with a negative predictive value of 80%. In summary, the available evidence is currently insufficient to determine the role of this variant in disease. Therefore, it has been classified as a Variant of Uncertain Significance.

Quest Diagnostics Nichols Institute San Juan Capistrano
Classification: Uncertain significance. Last evaluated: 2025-08-13. Review status: criteria provided, single submitter. Criteria: Quest Diagnostics criteria. Collection method: clinical testing. Allele origin: unknown.
Comment: The AXIN2 c.917C>T (p.Ala306Val) variant has been reported in the published literature in a family with familial hematologic cancers (PMID: 38205536 (2024)). The frequency of this variant in the general population (Genome Aggregation Database) is higher than would generally be expected for pathogenic variants in this gene. Analysis of this variant using bioinformatics tools for the prediction of the effect of amino acid changes on protein structure and function yielded predictions that this variant is damaging. Based on the available information, we are unable to determine the clinical significance of this variant.

GeneDx
Classification: Uncertain significance. Last evaluated: 2025-02-26. Review status: criteria provided, single submitter. Criteria: GeneDx Variant Classification Process June 2021. Collection method: clinical testing. Allele origin: germline.
Comment: In silico analysis supports that this missense variant has a deleterious effect on protein structure/function; Has not been previously published as pathogenic or benign to our knowledge

St. Jude Molecular Pathology, St. Jude Children's Research Hospital
Classification: Uncertain significance for Oligodontia-cancer predisposition syndrome. Last evaluated: 2024-06-06. Review status: criteria provided, single submitter. Criteria: St. Jude Assertion Criteria 2020. Collection method: clinical testing. Allele origin: germline.
Comment: The AXIN2 c.917C>T (p.Ala306Val) change has a maximum subpopulation frequency of 0.012% in gnomAD v2.1.1. The in silico tool REVEL is inconclusive about a pathogenic or benign effect of this variant on protein function, and functional studies have not been performed. This variant has not been reported in the literature in individuals with oligodontia-cancer predisposition syndrome. In summary, the evidence currently available is insufficient to determine the clinical significance of this variant. It has therefore been classified as of uncertain significance.Â

Baylor Genetics
Classification: Uncertain significance for Colorectal cancer. Last evaluated: 2024-02-09. Review status: criteria provided, single submitter. Criteria: ACMG Guidelines, 2015. Collection method: clinical testing. Allele origin: unknown.

Literature cited by the submitters: PubMed 38205536 (cited by Quest Diagnostics Nichols Institute San Juan Capistrano).